The following is an entry in ClinVar:

NM_004525.3(LRP2):c.12193C>T (p.Arg4065Ter)

Gene: LRP2 (LDL receptor related protein 2; minus strand). Cytogenetic location: 2q31.1.
Variant type: single nucleotide variant.
Coding change: c.12193C>T on transcript NM_004525.3 (MANE Select); coding-DNA position 12193, C replaced by T.
Protein change: p.Arg4065Ter; replaces arginine 4065 with a stop codon.
Molecular consequence: nonsense.
Genome position (GRCh38, 1-based): chr2:169,154,562, G>A on the plus strand (C>T on the coding strand, the complement: LRP2 is on the minus strand). VCF-style: chr2-169154562-G-A. GRCh37 (hg19) VCF-style: chr2-170011072-G-A.
Other names: short protein forms R4065*.
Identifiers: ClinVar variation 4957575 (VCV004957575.2).

ClinVar aggregate classification (germline): Pathogenic/Likely pathogenic. Review status: criteria provided, multiple submitters, no conflicts (2 of 4 stars). 2 submissions from 2 submitters: Pathogenic (1); Likely pathogenic (1). Last evaluated 2025-07-05.

Conditions:
LRP2-related disorder. Also called: LRP2-related condition.
Donnai-Barrow syndrome. Also called: DBS/FOAR SYNDROME; FACIOOCULOACOUSTICORENAL SYNDROME. Identifiers: Orphanet 2143, MedGen C1857277, MONDO:0009104, OMIM 222448.

gnomAD v4.1: 4 of 1,613,370 alleles (0.00025%); highest among the groups gnomAD compares: Non-Finnish European, 0.00034%; no homozygotes.

Submissions (2):

Myriad Genetics, Inc.
Classification: Pathogenic for Donnai-Barrow syndrome. Last evaluated: 2025-07-05. Review status: criteria provided, single submitter. Criteria: Myriad Autosomal Dominant, Autosomal Recessive and X-Linked Classification Criteria (2023). Collection method: clinical testing. Allele origin: unknown.
Comment: NM_004525.2(LRP2):c.12193C>T(R4065*) is expected to be pathogenic in the context of Donnai-Barrow syndrome. This variant is predicted to lead to an abnormal or absent protein product due to the creation of a premature termination codon in LRP2, a gene where loss-of-function variants are known to be pathogenic. Please note: this variant was assessed in the context of healthy population screening.

Blueprint Genetics
Classification: Likely pathogenic for LRP2-related disorders. Last evaluated: 2023-09-18. Review status: criteria provided, single submitter. Criteria: ACMG Guidelines, 2015. Collection method: clinical testing. Allele origin: germline. Affected: yes. Observed: 1 variant allele.